The following is an entry in ClinVar:

NM_007215.4(POLG2):c.690-1G>A

Genes: MILR1 (mast cell immunoglobulin like receptor 1; plus strand), POLG2 (DNA polymerase gamma 2, accessory subunit; minus strand). Cytogenetic location: 17q23.3.
Variant type: single nucleotide variant.
Coding change: c.690-1G>A on transcript NM_007215.4 (MANE Select); the canonical splice acceptor site of the intron before coding-DNA position 690, G replaced by A.
Molecular consequence: splice acceptor variant.
Genome position (GRCh38, 1-based): chr17:64,492,773, C>T on the plus strand (G>A on the coding strand, the complement: POLG2 is on the minus strand). VCF-style: chr17-64492773-C-T. GRCh37 (hg19) VCF-style: chr17-62488890-C-T.
Identifiers: ClinVar variation 1348402 (VCV001348402.6), dbSNP rs2144199103, ClinGen allele CA400639297.

ClinVar aggregate classification (germline): Likely pathogenic (1 of 4 stars; one submission).

Submission:

Labcorp Genetics (formerly Invitae), Labcorp
Classification: Likely pathogenic. Last evaluated: 2022-01-11. Review status: criteria provided, single submitter. Criteria: Invitae Variant Classification Sherloc (09022015). Collection method: clinical testing. Allele origin: germline.
Comment: This variant is not present in population databases (gnomAD no frequency). This variant has not been reported in the literature in individuals affected with POLG2-related conditions. Algorithms developed to predict the effect of sequence changes on RNA splicing suggest that this variant may disrupt the consensus splice site. In summary, the currently available evidence indicates that the variant is pathogenic, but additional data are needed to prove that conclusively. Therefore, this variant has been classified as Likely Pathogenic. This sequence change affects an acceptor splice site in intron 2 of the POLG2 gene. It is expected to disrupt RNA splicing. Variants that disrupt the donor or acceptor splice site typically lead to a loss of protein function (PMID: 16199547), and loss-of-function variants in POLG2 are known to be pathogenic (PMID: 28078310, 29625556).

Literature cited by the submitters: PubMed 16199547; PubMed 28078310; PubMed 29625556.